The following is an entry in ClinVar:

NM_002693.3(POLG):c.3482+44G>A

Gene: POLG (DNA polymerase gamma, catalytic subunit; minus strand). Cytogenetic location: 15q26.1.
Variant type: single nucleotide variant.
Coding change: c.3482+44G>A on transcript NM_002693.3 (MANE Select); 44 bases into the intron after coding-DNA position 3482, G replaced by A.
Molecular consequence: intron variant.
Genome position (GRCh38, 1-based): chr15:89,318,497, C>T on the plus strand (G>A on the coding strand, the complement: POLG is on the minus strand). VCF-style: chr15-89318497-C-T. GRCh37 (hg19) VCF-style: chr15-89861728-C-T.
Other names: c.3482+44G>A (NM_001126131.2).
Identifiers: ClinVar variation 619493 (VCV000619493.2), dbSNP rs3176228, ClinGen allele CA7724128.
Genomic context (GRCh38, chr15:89,318,497, plus strand): 5'-AGGGGGATGAAAAGTCAAAACTGACCAGTCTGGCCCAAGGAACGCTCACCCAAAGCCCCA[C>T]ATAGGAGCACATGGCCAGGCTAGAGGCCATGGGCCCCGCATACCTGGTCAAGAGGTTGGT-3'

ClinVar aggregate classification (germline): Benign/Likely benign. Review status: criteria provided, multiple submitters, no conflicts (2 of 4 stars). 3 submissions from 3 submitters: Benign (1); Likely benign (2). Last evaluated 2018-10-01.

Conditions:
Progressive sclerosing poliodystrophy (MTDPS4A). Also called: Alpers-Huttenlocher Syndrome (AHS); Alpers Syndrome; ALPERS PROGRESSIVE INFANTILE POLIODYSTROPHY; Mitochondrial DNA depletion syndrome 4A (Alpers type); ALPERS DIFFUSE DEGENERATION OF CEREBRAL GRAY MATTER WITH HEPATIC CIRRHOSIS; Alpers-Huttenlocher Syndrome. Identifiers: Orphanet 726, MedGen C0205710, MONDO:0008758, OMIM 203700.

Allele frequency attached by ClinVar (database versions not stated): 1000 Genomes Project 30x 0.01156; gnomAD 0.01216 and 0.01112; TOPMed 0.01323; ESP Exome Variant Server 0.01478; ExAC 0.00344; 1000 Genomes Project 0.01038.
gnomAD v4.1: 3,233 of 1,555,052 alleles (0.21%); highest among the groups gnomAD compares: African/African-American, 3.9%; 52 homozygotes.

Submissions (3):

Wong Mito Lab, Molecular and Human Genetics, Baylor College of Medicine
Classification: Benign for Progressive sclerosing poliodystrophy. Last evaluated: 2018-10-01. Review status: criteria provided, single submitter. Criteria: ACMG Guidelines, 2015. Collection method: clinical testing. Allele origin: germline.
Comment: The NM_002693.2:c.3482+44G>A (NP_002684.1:p.=) [GRCH38: NC_000015.10:g.89318497C>T] variant in POLG gene is interpretated to be a Benign based on ACMG guidelines (PMID: 25741868). This variant meets the following evidence codes reported in the ACMG-guideline. BS1:The minor allele frequency of this allele is high for Mitochondrial DNA depletion syndrome 4A (Alpers type). BS2:Observation of the variant in controls is inconsistent with penetrance of Mitochondrial DNA depletion syndrome 4A (Alpers type). BP4:Computational evidence/predictors indicate no impact on the POLG structure, function, or protein-protein interaction. Based on the evidence criteria codes applied, the variant is suggested to be Benign.

GeneDx
Classification: Likely benign. Last evaluated: 2018-06-16. Review status: criteria provided, single submitter. Criteria: GeneDx Variant Classification (06012015). Collection method: clinical testing. Allele origin: germline. Affected: yes.
Comment: This variant is considered likely benign or benign based on one or more of the following criteria: it is a conservative change, it occurs at a poorly conserved position in the protein, it is predicted to be benign by multiple in silico algorithms, and/or has population frequency not consistent with disease.

Breakthrough Genomics
Classification: Likely benign. Review status: criteria provided, single submitter. Criteria: ACMG Guidelines, 2015. Collection method: not provided. Allele origin: germline. Inheritance: Autosomal recessive inheritance. Affected: yes.